The following is an entry in ClinVar:

NM_001111.5(ADAR):c.*619C>T

Gene: ADAR (adenosine deaminase RNA specific; minus strand). Cytogenetic location: 1q21.3.
Variant type: single nucleotide variant.
Coding change: c.*619C>T on transcript NM_001111.5 (MANE Select); 619 bases downstream of the stop codon, C replaced by T.
Molecular consequence: 3 prime UTR variant.
Genome position (GRCh38, 1-based): chr1:154,584,187, G>A on the plus strand (C>T on the coding strand, the complement: ADAR is on the minus strand). VCF-style: chr1-154584187-G-A. GRCh37 (hg19) VCF-style: chr1-154556663-G-A.
Other names: c.*619C>T (LRG_1212t1, NM_001025107.3, NM_001193495.2 and 7 more transcripts).
Identifiers: ClinVar variation 292740 (VCV000292740.6), dbSNP rs1127311, ClinGen allele CA10608295.

ClinVar aggregate classification (germline): Benign. Review status: criteria provided, multiple submitters, no conflicts (2 of 4 stars). 2 submissions from 2 submitters: Benign (2). Last evaluated 2018-01-13.

Conditions:
Symmetrical dyschromatosis of extremities (DSH). Also called: Dyschromatosis symmetrica hereditaria; DYSCHROMATOSIS SYMMETRICA HEREDITARIA 1; RETICULATE ACROPIGMENTATION OF DOHI; SYMMETRIC DYSCHROMATOSIS OF THE EXTREMITIES. Identifiers: Orphanet 41, MedGen C0406775, MONDO:0007483, OMIM 127400.

Allele frequency attached by ClinVar (database versions not stated): 1000 Genomes Project 30x 0.39022; 1000 Genomes Project 0.39617; gnomAD 0.41540 and 0.41774; TOPMed 0.41791; gnomAD exomes 0.44097.
gnomAD v4.1: 63,816 of 152,404 alleles (42%); highest among the groups gnomAD compares: East Asian, 55%; 14,289 homozygotes.

Submissions (2):

Illumina Laboratory Services, Illumina
Classification: Benign for Symmetrical dyschromatosis of extremities. Last evaluated: 2018-01-13. Review status: criteria provided, single submitter. Criteria: ICSL Variant Classification Criteria 13 December 2019. Collection method: clinical testing. Allele origin: germline.
Comment: This variant was observed in the ICSL laboratory as part of a predisposition screen in an ostensibly healthy population. It had not been previously curated by ICSL or reported in the Human Gene Mutation Database (HGMD: prior to June 1st, 2018), and was therefore a candidate for classification through an automated scoring system. Utilizing variant allele frequency, disease prevalence and penetrance estimates, and inheritance mode, an automated score was calculated to assess if this variant is too frequent to cause the disease. Based on the score and internal cut-off values, a variant classified as benign is not then subjected to further curation. The score for this variant resulted in a classification of benign for this disease.

Breakthrough Genomics
Classification: Benign. Review status: criteria provided, single submitter. Criteria: ACMG Guidelines, 2015. Collection method: not provided. Allele origin: germline. Inheritance: Autosomal recessive inheritance. Affected: yes.